The following is an entry in ClinVar:

NM_004287.5(GOSR2):c.10C>G (p.Leu4Val)

Genes: GOSR2 (golgi SNAP receptor complex member 2; plus strand), LRRC37A2 (leucine rich repeat containing 37 member A2). Cytogenetic location: 17q21.32.
Variant type: single nucleotide variant.
Coding change: c.10C>G on transcript NM_004287.5 (MANE Select); coding-DNA position 10, C replaced by G.
Protein change: p.Leu4Val; replaces leucine 4 with valine.
Molecular consequence: missense variant. On other transcripts: 5 prime UTR variant (2), non-coding transcript variant (3).
Genome position (GRCh38, 1-based): chr17:46,923,202, C>G. VCF-style: chr17-46923202-C-G. GRCh37 (hg19) VCF-style: chr17-45000568-C-G.
Other names: c.10C>G, p.Leu4Val (NM_001012511.3, NM_001321133.2, NM_001330252.2 and 4 more transcripts); c.-93C>G (NM_001321134.2); c.-456C>G (NM_001363851.2); short protein forms L4V.
Identifiers: ClinVar variation 939595 (VCV000939595.5), dbSNP rs756276963, ClinGen allele CA8621099.

ClinVar aggregate classification (germline): Uncertain significance (1 of 4 stars; one submission).

Conditions:
Progressive myoclonic epilepsy. Also called: Myoclonic Epilepsies, Progressive; Familial progressive myoclonic epilepsy; Myoclonus epilepsy; Progressive myoclonus epilepsy. Identifiers: Orphanet 308, Orphanet 98261, MedGen C0751778, MONDO:0020074.

Allele frequency attached by ClinVar (database versions not stated): gnomAD 0.00001; TOPMed 0.00001; gnomAD exomes 0.00006; ExAC 0.00011.
gnomAD v4.1: 22 of 1,548,796 alleles (0.0014%); highest among the groups gnomAD compares: South Asian, 0.017%; no homozygotes.

Submission:

Labcorp Genetics (formerly Invitae), Labcorp
Classification: Uncertain significance for Progressive myoclonic epilepsy. Last evaluated: 2022-06-29. Review status: criteria provided, single submitter. Criteria: Invitae Variant Classification Sherloc (09022015). Collection method: clinical testing. Allele origin: germline.
Comment: This sequence change replaces leucine, which is neutral and non-polar, with valine, which is neutral and non-polar, at codon 4 of the GOSR2 protein (p.Leu4Val). This variant is present in population databases (rs756276963, gnomAD 0.03%). This variant has not been reported in the literature in individuals affected with GOSR2-related conditions. ClinVar contains an entry for this variant (Variation ID: 939595). Algorithms developed to predict the effect of missense changes on protein structure and function (SIFT, PolyPhen-2, Align-GVGD) all suggest that this variant is likely to be disruptive. In summary, the available evidence is currently insufficient to determine the role of this variant in disease. Therefore, it has been classified as a Variant of Uncertain Significance.